The following continues an entry in ClinVar:

NM_001267550.2(TTN):c.4322G>C (p.Arg1441Pro)

ClinVar aggregate classification (germline): Benign/Likely benign. Benign (17); Likely benign (7).

Submissions 22 to 31 of 31:

Biesecker Lab/Clinical Genomics Section, National Institutes of Health
Classification: Benign. Last evaluated: 2013-06-24. Review status: criteria provided, single submitter. Criteria: Ng et al. (Circ Cardiovasc Genet. 2013). Collection method: research. Allele origin: unknown. Observed: 16 variant alleles. Study: ClinSeq.
Comment: The study set was not selected for affection status in relation to any cancer. Pathogenicity categories were based on literature curation. See Pubmed ID:23861362 for details.

Medical sequencing

Laboratory for Molecular Medicine, Mass General Brigham Personalized Medicine
Classification: Benign. Last evaluated: 2012-05-10. Review status: criteria provided, single submitter. Criteria: LMM Criteria. Collection method: clinical testing. Allele origin: germline. Observed: 38 variant alleles.
Comment: Arg1441Pro in exon 25 of TTN: This variant is not expected to have clinical sign ificance because it is not located within the splice consensus sequence and has been identified in 0.6% (48/7020) of European American chromosomes by the NHLBI Exome sequencing project in a broad population (dbSNP rs72647876).

Breakthrough Genomics
Classification: Likely benign. Review status: criteria provided, single submitter. Criteria: ACMG Guidelines, 2015. Collection method: not provided. Allele origin: germline. Inheritance: Autosomal recessive inheritance. Affected: yes.

Clinical Genetics DNA and cytogenetics Diagnostics Lab, Erasmus MC, Erasmus Medical Center
Classification: Benign. Review status: no assertion criteria provided. Collection method: clinical testing. Allele origin: germline. Affected: yes. Study: VKGL Data-share Consensus. Not counted in ClinVar's aggregate classification.

Clinical Genetics, Academic Medical Center
Classification: Benign. Review status: no assertion criteria provided. Collection method: clinical testing. Allele origin: germline. Affected: yes. Study: VKGL Data-share Consensus. Not counted in ClinVar's aggregate classification.

Diagnostic Laboratory, Department of Genetics, University Medical Center Groningen
Classification: Likely benign. Review status: no assertion criteria provided. Collection method: clinical testing. Allele origin: germline. Affected: yes. Study: VKGL Data-share Consensus. Not counted in ClinVar's aggregate classification.

Genetic Services Laboratory, University of Chicago
Classification: Likely benign for AllHighlyPenetrant. Review status: no assertion criteria provided. Collection method: clinical testing. Allele origin: germline. Not counted in ClinVar's aggregate classification.
Comment: Likely benign based on allele frequency in 1000 Genomes Project or ESP global frequency and its presence in a patient with a rare or unrelated disease phenotype. NOT Sanger confirmed.

Genome Diagnostics Laboratory, University Medical Center Utrecht
Classification: Benign. Review status: no assertion criteria provided. Collection method: clinical testing. Allele origin: germline. Affected: yes. Study: VKGL Data-share Consensus. Not counted in ClinVar's aggregate classification.

Joint Genome Diagnostic Labs from Nijmegen and Maastricht, Radboudumc and MUMC+
Classification: Benign. Review status: no assertion criteria provided. Collection method: clinical testing. Allele origin: germline. Affected: yes. Study: VKGL Data-share Consensus. Not counted in ClinVar's aggregate classification.

Laboratory of Diagnostic Genome Analysis, Leiden University Medical Center (LUMC)
Classification: Likely benign. Review status: no assertion criteria provided. Collection method: clinical testing. Allele origin: germline. Affected: yes. Study: VKGL Data-share Consensus. Not counted in ClinVar's aggregate classification.

Literature cited by the submitters: PubMed 34790974 (cited by Athena Diagnostics); PubMed 23861362 (cited by Athena Diagnostics); PubMed 26516846 (cited by Athena Diagnostics).